The following is an entry in ClinVar:

ClinVar aggregate classification (germline): Pathogenic (1 of 4 stars; one submission).

Submission:

Labcorp Genetics (formerly Invitae), Labcorp
Classification: Pathogenic. Last evaluated: 2023-05-12. Review status: criteria provided, single submitter. Criteria: Invitae Variant Classification Sherloc (09022015). Collection method: clinical testing. Allele origin: unknown.
Comment: For these reasons, this variant has been classified as Pathogenic. This variant has not been reported in the literature in individuals affected with NBAS-related conditions. This variant is a gross deletion of the genomic region encompassing exon(s) 27-38 of the NBAS gene. This deletion is out-of-frame, and is expected to create a premature termination codon and result in an absent or disrupted protein product. Loss-of-function variants in NBAS are known to be pathogenic (PMID: 26073778, 26541327, 27789416, 28031453).

Literature cited by the submitters: PubMed 26073778; PubMed 26541327; PubMed 27789416; PubMed 28031453.

NC_000002.11:g.(?_15467854)_(15536619_?)del

Gene: NBAS (NBAS subunit of NRZ tethering complex; minus strand). Cytogenetic location: 2p24.3.
Variant type: Deletion.
Identifiers: ClinVar variation 3247560 (VCV003247560.1).